The following is an entry in ClinVar:

NM_005223.4(DNASE1):c.501C>T (p.Asp167=)

Gene: DNASE1 (deoxyribonuclease 1; plus strand). Cytogenetic location: 16p13.3.
Variant type: single nucleotide variant.
Coding change: c.501C>T on transcript NM_005223.4 (MANE Select); coding-DNA position 501, C replaced by T.
Protein change: p.Asp167=; no amino-acid change (aspartic acid 167 retained).
Molecular consequence: synonymous variant. On other transcripts: non-coding transcript variant (2).
Genome position (GRCh38, 1-based): chr16:3,657,063, C>T. VCF-style: chr16-3657063-C-T. GRCh37 (hg19) VCF-style: chr16-3707064-C-T.
Other names: c.501C>T, p.Asp167= (NM_001351825.2, NM_001387135.1, NM_001387140.1); c.570C>T, p.Asp190= (NM_001387139.1); c.294C>T, p.Asp98= (NM_001387141.1).
Identifiers: ClinVar variation 3041007 (VCV003041007.2), dbSNP rs59621760, ClinGen allele CA7867327.

ClinVar aggregate classification (germline): Likely benign (0 of 4 stars; one submission).

Conditions:
DNASE1-related disorder. Also called: DNASE1-related condition.

Allele frequency attached by ClinVar (database versions not stated): 1000 Genomes Project 0.00120; 1000 Genomes Project 30x 0.00172; ESP Exome Variant Server 0.00231.
gnomAD v4.1: 590 of 1,614,072 alleles (0.037%); highest among the groups gnomAD compares: African/African-American, 0.65%; no homozygotes.

Submission:

PreventionGenetics, part of Exact Sciences
Classification: Likely benign for DNASE1-related condition. Last evaluated: 2020-01-02. Review status: no assertion criteria provided. Collection method: clinical testing. Allele origin: germline.
Comment: This variant is classified as likely benign based on ACMG/AMP sequence variant interpretation guidelines (Richards et al. 2015 PMID: 25741868, with internal and published modifications).